The following is an entry in ClinVar:

NM_001374353.1(GLI2):c.1760A>G (p.His587Arg)

Gene: GLI2 (GLI family zinc finger 2; plus strand). Cytogenetic location: 2q14.2.
Variant type: single nucleotide variant.
Coding change: c.1760A>G on transcript NM_001374353.1 (MANE Select); coding-DNA position 1760, A replaced by G.
Protein change: p.His587Arg; replaces histidine 587 with arginine.
Molecular consequence: missense variant.
Genome position (GRCh38, 1-based): chr2:120,984,598, A>G. VCF-style: chr2-120984598-A-G. GRCh37 (hg19) VCF-style: chr2-121742174-A-G.
Other names: c.1811A>G, p.His604Arg (NM_001371271.1, NM_005270.5); c.1385A>G, p.His462Arg (NM_001374354.1); short protein forms H462R, H587R, H604R.
Identifiers: ClinVar variation 3364814 (VCV003364814.1).
Genomic context (GRCh38, chr2:120,984,598, plus strand): 5'-ATGTGAAAACGGTCCACGGCCCAGATGCCCACGTCACCAAGAAGCAGCGCAATGACGTGC[A>G]CCTCCGCACACCGCTGCTCAAAGAGAATGGGGACAGTGAGGCCGGCACGGAGCCTGGCGG-3'
Protein context (NP_001361282.1, residues 577-597): HVTKKQRNDV[His587Arg]LRTPLLKENG

ClinVar aggregate classification (germline): Uncertain significance (1 of 4 stars; one submission).

Submission:

GeneDx
Classification: Uncertain significance. Last evaluated: 2023-11-27. Review status: criteria provided, single submitter. Criteria: GeneDx Variant Classification Process June 2021. Collection method: clinical testing. Allele origin: germline. Affected: yes.
Comment: Not observed at significant frequency in large population cohorts (gnomAD); In silico analysis supports that this missense variant has a deleterious effect on protein structure/function; Has not been previously published as pathogenic or benign to our knowledge